The following is an entry in ClinVar:

NM_000051.4(ATM):c.6952A>G (p.Lys2318Glu)

Genes: ATM (ATM serine/threonine kinase; plus strand), C11orf65 (chromosome 11 open reading frame 65; minus strand). Cytogenetic location: 11q22.3.
Variant type: single nucleotide variant.
Coding change: c.6952A>G on transcript NM_000051.4 (MANE Select); coding-DNA position 6952, A replaced by G.
Protein change: p.Lys2318Glu; replaces lysine 2318 with glutamic acid.
Molecular consequence: missense variant. On other transcripts: intron variant (2).
Genome position (GRCh38, 1-based): chr11:108,326,202, A>G. VCF-style: chr11-108326202-A-G. GRCh37 (hg19) VCF-style: chr11-108196929-A-G.
Other names: c.6952A>G, p.Lys2318Glu (NM_001351834.2); c.641-17131T>C (NM_001330368.2); c.*38+9018T>C (NM_001351110.2); short protein forms K2318E.
Identifiers: ClinVar variation 524290 (VCV000524290.28), dbSNP rs1449259481, ClinGen allele CA382557332.

ClinVar aggregate classification (germline): Uncertain significance. Review status: criteria provided, multiple submitters, no conflicts (2 of 4 stars). 5 submissions from 5 submitters: Uncertain significance (4). 1 of the submissions does not count toward it. Last evaluated 2025-09-16.

Conditions:
Hereditary cancer-predisposing syndrome. Also called: Hereditary Cancer Syndrome; Neoplastic Syndromes, Hereditary; Tumor predisposition; Hereditary neoplastic syndrome. Identifiers: Orphanet 140162, MedGen C0027672, MeSH D009386, MONDO:0015356.
Ataxia-telangiectasia syndrome (AT). Also called: Cerebello-oculocutaneous telangiectasia; Immunodeficiency with ataxia telangiectasia; Ataxia-telangiectasia, complementation group E; Ataxia-telangiectasia, complementation group D; AT, COMPLEMENTATION GROUP C; ATAXIA-TELANGIECTASIA, COMPLEMENTATION GROUP A. Identifiers: Orphanet 100, MedGen C0004135, MONDO:0008840, OMIM 208900.
Familial cancer of breast. Also called: BREAST CANCER, FAMILIAL; Hereditary breast cancer; hereditary breast carcinoma. Identifiers: Orphanet 227535, MedGen C0346153, MONDO:0016419, OMIM 114480. Disease mechanism: loss of function.

Allele frequency attached by ClinVar (database versions not stated): TOPMed below 0.00001; gnomAD 0.00001.
gnomAD v4.1: 15 of 1,613,966 alleles (0.00093%); highest among the groups gnomAD compares: Non-Finnish European, 0.001%; no homozygotes.

Submissions (5):

Ambry Genetics
Classification: Uncertain significance for Hereditary cancer-predisposing syndrome. Last evaluated: 2025-09-16. Review status: criteria provided, single submitter. Criteria: Ambry Variant Classification Scheme 2023. Collection method: clinical testing. Allele origin: germline.
Comment: The p.K2318E variant (also known as c.6952A>G), located in coding exon 46 of the ATM gene, results from an A to G substitution at nucleotide position 6952. The lysine at codon 2318 is replaced by glutamic acid, an amino acid with similar properties. This alteration has been reported in at least one subject in a study of 13087 breast cancer cases and 5488 control individuals in the UK (Decker B et al. J Med Genet, 2017 11;54:732-741). This amino acid position is well conserved in available vertebrate species. In addition, the in silico prediction for this alteration is inconclusive. Since supporting evidence is limited at this time, the clinical significance of this alteration remains unclear.

Labcorp Genetics (formerly Invitae), Labcorp
Classification: Uncertain significance for Ataxia-telangiectasia syndrome. Last evaluated: 2024-11-11. Review status: criteria provided, single submitter. Criteria: Invitae Variant Classification Sherloc (09022015). Collection method: clinical testing. Allele origin: germline.
Comment: This sequence change replaces lysine, which is basic and polar, with glutamic acid, which is acidic and polar, at codon 2318 of the ATM protein (p.Lys2318Glu). This variant is not present in population databases (gnomAD no frequency). This variant has not been reported in the literature in individuals affected with ATM-related conditions. ClinVar contains an entry for this variant (Variation ID: 524290). Invitae Evidence Modeling of protein sequence and biophysical properties (such as structural, functional, and spatial information, amino acid conservation, physicochemical variation, residue mobility, and thermodynamic stability) has been performed for this missense variant. However, the output from this modeling did not meet the statistical confidence thresholds required to predict the impact of this variant on ATM protein function. In summary, the available evidence is currently insufficient to determine the role of this variant in disease. Therefore, it has been classified as a Variant of Uncertain Significance.

Baylor Genetics
Classification: Uncertain significance for Familial cancer of breast. Last evaluated: 2023-07-13. Review status: criteria provided, single submitter. Criteria: ACMG Guidelines, 2015. Collection method: clinical testing. Allele origin: unknown.

GeneDx
Classification: Uncertain significance. Last evaluated: 2019-06-05. Review status: criteria provided, single submitter. Criteria: GeneDx Variant Classification Process June 2021. Collection method: clinical testing. Allele origin: germline. Affected: yes.
Comment: Not observed in large population cohorts (Lek et al., 2016); In silico analysis, which includes protein predictors and evolutionary conservation, supports that this variant does not alter protein structure/function; Has not been previously published as pathogenic or benign to our knowledge

Natera, Inc.
Classification: Uncertain significance for Ataxia-telangiectasia. Last evaluated: 2021-09-08. Review status: no assertion criteria provided. Collection method: clinical testing. Allele origin: germline. Not counted in ClinVar's aggregate classification.

Literature cited by the submitters: PubMed 28779002 (cited by Ambry Genetics).